The following is an entry in ClinVar:

NM_000454.5(SOD1):c.268G>A (p.Ala90Thr)

Gene: SOD1 (superoxide dismutase 1; plus strand). Cytogenetic location: 21q22.11.
Variant type: single nucleotide variant.
Coding change: c.268G>A on transcript NM_000454.5 (MANE Select); coding-DNA position 268, G replaced by A.
Protein change: p.Ala90Thr; replaces alanine 90 with threonine.
Molecular consequence: missense variant.
Genome position (GRCh38, 1-based): chr21:31,667,286, G>A. VCF-style: chr21-31667286-G-A. GRCh37 (hg19) VCF-style: chr21-33039599-G-A.
Other names: short protein forms A90T.
Identifiers: ClinVar variation 567744 (VCV000567744.7), dbSNP rs1568810660, ClinGen allele CA410037429.

ClinVar aggregate classification (germline): Conflicting classifications of pathogenicity. Review status: criteria provided, conflicting classifications (1 of 4 stars). 3 submissions from 3 submitters: Pathogenic (1); Uncertain significance (2). Last evaluated 2025-04-13.

Conditions:
Amyotrophic lateral sclerosis type 1 (ALS1). Also called: AMYOTROPHIC LATERAL SCLEROSIS 1, FAMILIAL. Identifiers: Orphanet 803, MedGen C1862939, MONDO:0007103, OMIM 105400.

Allele frequency attached by ClinVar (database versions not stated): gnomAD exomes below 0.00001.
gnomAD v4.1: 1 of 1,614,110 alleles (0.000062%); highest among the groups gnomAD compares: Non-Finnish European, 0.000085%; no homozygotes.

Submissions (3):

Labcorp Genetics (formerly Invitae), Labcorp
Classification: Pathogenic for Amyotrophic lateral sclerosis type 1. Last evaluated: 2025-04-13. Review status: criteria provided, single submitter. Criteria: Invitae Variant Classification Sherloc (09022015). Collection method: clinical testing. Allele origin: germline.
Comment: This sequence change replaces alanine, which is neutral and non-polar, with threonine, which is neutral and polar, at codon 90 of the SOD1 protein (p.Ala90Thr). This variant is not present in population databases (gnomAD no frequency). This missense change has been observed in individual(s) with clinical features of autosomal dominant SOD1-related conditions (PMID: 34518333; internal data). In at least one individual the variant was observed to be de novo. It has also been observed to segregate with disease in related individuals. This variant is also known as A89T. ClinVar contains an entry for this variant (Variation ID: 567744). Invitae Evidence Modeling of protein sequence and biophysical properties (such as structural, functional, and spatial information, amino acid conservation, physicochemical variation, residue mobility, and thermodynamic stability) indicates that this missense variant is expected to disrupt SOD1 protein function with a positive predictive value of 95%. Experimental studies have shown that this missense change affects SOD1 function (PMID: 23280792). For these reasons, this variant has been classified as Pathogenic.

Servicio Canario de Salud, Hospital Universitario Nuestra Sra. de Candelaria
Classification: Uncertain significance for Amyotrophic lateral sclerosis type 1. Last evaluated: 2023-10-06. Review status: criteria provided, single submitter. Criteria: ACMG Guidelines, 2015. Collection method: clinical testing. Allele origin: germline. Inheritance: Autosomal dominant inheritance. Affected: yes. Observed: 1 heterozygote.
Comment: This variant has been reported in an individual with Amyotrophic Lateral Sclerosis (PMID: 14506936). This variant was absent from large population studies (gnomAD no frequency). ClinVar contains an entry for this variant (Variation ID: 567744). In silico analysis (CADD, Revel) are inconclusive, but this prediction has not been confirmed by functional studies. In summary, the available evidence for c.268G>A, p.(Ala90Thr) SOD1 variant is currently insufficient to determine the role of this variant in disease. Therefore, it has been classified as a Variant of Uncertain Significance.

Athena Diagnostics
Classification: Uncertain significance. Last evaluated: 2017-12-20. Review status: criteria provided, single submitter. Criteria: Athena Diagnostics Criteria. Collection method: clinical testing. Allele origin: germline.

Literature cited by the submitters: PubMed 34518333 (cited by Labcorp Genetics (formerly Invitae), Labcorp); PubMed 23280792 (cited by Labcorp Genetics (formerly Invitae), Labcorp and Athena Diagnostics); PubMed 14506936 (cited by Servicio Canario de Salud, Hospital Universitario Nuestra Sra. de Candelaria and Athena Diagnostics).